The following is an entry in ClinVar:

ClinVar aggregate classification (germline): Conflicting classifications of pathogenicity. Review status: criteria provided, conflicting classifications (1 of 4 stars). 2 submissions from 2 submitters: Uncertain significance (1); Likely benign (1). Last evaluated 2024-10-07.

Conditions:
Hereditary breast ovarian cancer syndrome. Also called: Hereditary breast and ovarian cancer; Breast and ovarian cancer; Hereditary breast and ovarian cancer syndrome; BRCA1- and BRCA2-Associated Hereditary Breast and Ovarian Cancer; Hereditary breast and/or ovarian cancer syndrome; Hereditary breast and ovarian cancer syndrome (HBOC). Identifiers: Orphanet 145, MedGen C0677776, MeSH D061325, MONDO:0003582. Disease mechanism: loss of function.
Hereditary cancer-predisposing syndrome. Also called: Tumor predisposition; Hereditary neoplastic syndrome; Hereditary Cancer Syndrome; Neoplastic Syndromes, Hereditary. Identifiers: Orphanet 140162, MedGen C0027672, MeSH D009386, MONDO:0015356.

Submissions (2):

Labcorp Genetics (formerly Invitae), Labcorp
Classification: Uncertain significance for Hereditary breast ovarian cancer syndrome. Last evaluated: 2024-10-07. Review status: criteria provided, single submitter. Criteria: Invitae Variant Classification Sherloc (09022015). Collection method: clinical testing. Allele origin: germline.
Comment: This sequence change replaces threonine, which is neutral and polar, with alanine, which is neutral and non-polar, at codon 1317 of the BRCA2 protein (p.Thr1317Ala). This variant is not present in population databases (gnomAD no frequency). This variant has not been reported in the literature in individuals affected with BRCA2-related conditions. ClinVar contains an entry for this variant (Variation ID: 578010). Invitae Evidence Modeling of protein sequence and biophysical properties (such as structural, functional, and spatial information, amino acid conservation, physicochemical variation, residue mobility, and thermodynamic stability) indicates that this missense variant is not expected to disrupt BRCA2 protein function with a negative predictive value of 95%. In summary, the available evidence is currently insufficient to determine the role of this variant in disease. Therefore, it has been classified as a Variant of Uncertain Significance.

University of Washington Department of Laboratory Medicine, University of Washington
Classification: Likely benign for Hereditary cancer-predisposing syndrome. Last evaluated: 2023-03-23. Review status: criteria provided, single submitter. Criteria: Dines et al. (Genet Med. 2020). Collection method: curation. Allele origin: germline.
Comment: Missense variant in a coldspot region where missense variants are very unlikely to be pathogenic (PMID:31911673).

BRCA2 exon 11 coldspot. Reclassification based on statistical prior probability.

NM_000059.4(BRCA2):c.3949A>G (p.Thr1317Ala)

Gene: BRCA2 (BRCA2 DNA repair associated; plus strand). Cytogenetic location: 13q13.1.
Variant type: single nucleotide variant.
Coding change: c.3949A>G on transcript NM_000059.4 (MANE Select); coding-DNA position 3949, A replaced by G.
Protein change: p.Thr1317Ala; replaces threonine 1317 with alanine.
Molecular consequence: missense variant.
Genome position (GRCh38, 1-based): chr13:32,338,304, A>G. VCF-style: chr13-32338304-A-G. GRCh37 (hg19) VCF-style: chr13-32912441-A-G.
Other names: short protein forms T1317A.
Identifiers: ClinVar variation 578010 (VCV000578010.10), dbSNP rs398122773, ClinGen allele CA387778889.